The following is an entry in ClinVar:

ClinVar aggregate classification (germline): Uncertain significance (1 of 4 stars; one submission).

Submission:

Ambry Genetics
Classification: Uncertain significance. Last evaluated: 2025-09-22. Review status: criteria provided, single submitter. Criteria: Ambry Variant Classification Scheme 2023. Collection method: clinical testing. Allele origin: germline.
Comment: The c.1117_1118delTC variant, located in coding exon 8 of the ATRIP gene, results from a deletion of two nucleotides at nucleotide positions 1117 to 1118, causing a translational frameshift with a predicted alternate stop codon (p.A374Pfs*19). The evidence for this gene-disease relationship is limited; therefore, the clinical significance of this alteration is unclear.

NM_130384.3(ATRIP):c.1117_1118del (p.Ala374fs)

Genes: ATRIP (ATR interacting protein; plus strand), ATRIP-TREX1 (ATRIP-TREX1 readthrough; plus strand). Cytogenetic location: 3p21.31.
Variant type: Microsatellite.
Coding change: c.1117_1118del on transcript NM_130384.3 (MANE Select); coding-DNA positions 1117 to 1118, 2 bases deleted (TC; older notation c.1117_1118delTC).
Protein change: p.Ala374fs; shifts the reading frame from alanine 374.
Molecular consequence: frameshift variant. On other transcripts: non-coding transcript variant (1).
Genome position (GRCh38, 1-based): chr3:48,460,171-48,460,172, TC deleted; deleting any 2 consecutive bases within chr3:48,460,168-48,460,172 gives the same sequence; the c. name uses the placement nearest the transcript's 3' end. VCF-style (leftmost placement, unchanged base first): chr3-48460167-CCT-C. GRCh37 (hg19) VCF-style: chr3-48501566-CCT-C.
Other names: c.736_737del, p.Ala247fs (NM_001271022.2); c.838_839del, p.Ala281fs (NM_001271023.2); c.1117_1118del, p.Ala374fs (NM_032166.4); short protein forms A281fs, A374fs, A247fs.
Identifiers: ClinVar variation 4644498 (VCV004644498.1).
Genomic context (GRCh38, chr3:48,460,167, plus strand): 5'-CAGTACCTTGGCTGGAATGTCAGGCCTCAGGACCACAGGTTCTTATGATGGGTCATTTTC[CCT>C]CTCAGCCCTGAGAGAAGCACAGAACCTGGCATTCACTGGACTGAATCTGGTTGCCCGGAA-3'